The following is an entry in ClinVar:

NM_015910.7(WDPCP):c.2113G>T (p.Asp705Tyr)

Gene: WDPCP (WD repeat containing planar cell polarity effector; minus strand). Cytogenetic location: 2p15.
Variant type: single nucleotide variant.
Coding change: c.2113G>T on transcript NM_015910.7 (MANE Select); coding-DNA position 2113, G replaced by T.
Protein change: p.Asp705Tyr; replaces aspartic acid 705 with tyrosine.
Molecular consequence: missense variant. On other transcripts: non-coding transcript variant (3).
Genome position (GRCh38, 1-based): chr2:63,153,540, C>A on the plus strand (G>T on the coding strand, the complement: WDPCP is on the minus strand). VCF-style: chr2-63153540-C-A. GRCh37 (hg19) VCF-style: chr2-63380675-C-A.
Other names: c.1636G>T, p.Asp546Tyr (NM_001042692.3); c.2041G>T, p.Asp681Tyr (NM_001354044.2); short protein forms D705Y, D546Y, D681Y.
Identifiers: ClinVar variation 336760 (VCV000336760.16), dbSNP rs200378703, ClinGen allele CA1682000.
Genomic context (GRCh38, chr2:63,153,540, plus strand): 5'-CTTGAATACCATTACCTTCTGCATTACAGGTATTAGTCATCAAAAATCCAGAACAGATGT[C>A]TTTTTCAAGTTCATTCCTTCTGTCAATTATTTGTCTGCAGTATATGGGTGTTTTTAATTG-3'
Protein context (NP_056994.3, residues 695-715): IIDRRNELEK[Asp705Tyr]ICSGFLMTNT

ClinVar aggregate classification (germline): Conflicting classifications of pathogenicity. Review status: criteria provided, conflicting classifications (1 of 4 stars). 4 submissions from 4 submitters: Uncertain significance (1); Likely benign (2). 1 of the submissions does not count toward it. Last evaluated 2025-11-17.

Conditions:
Bardet-Biedl syndrome (BBS). Identifiers: Orphanet 110, MedGen C0752166, MONDO:0015229.
Bardet-Biedl syndrome 15 (BBS15). Identifiers: Orphanet 110, MedGen C3150127, MONDO:0014443, OMIM 615992.
WDPCP-related disorder. Also called: WDPCP-related condition.
Inborn genetic diseases. Identifiers: MedGen C0950123, MeSH D030342.

Allele frequency attached by ClinVar (database versions not stated): TOPMed 0.00010; gnomAD 0.00014; ExAC 0.00015; ESP Exome Variant Server 0.00017; gnomAD exomes 0.00019.
gnomAD v4.1: 159 of 1,612,354 alleles (0.0099%); highest among the groups gnomAD compares: African/African-American, 0.0027%; no homozygotes.

Submissions (4):

Labcorp Genetics (formerly Invitae), Labcorp
Classification: Likely benign for Bardet-Biedl syndrome. Last evaluated: 2025-11-17. Review status: criteria provided, single submitter. Criteria: Invitae Variant Classification Sherloc (09022015). Collection method: clinical testing. Allele origin: germline.

Ambry Genetics
Classification: Likely benign for Inborn genetic diseases. Last evaluated: 2022-03-25. Review status: criteria provided, single submitter. Criteria: Ambry Variant Classification Scheme 2023. Collection method: clinical testing. Allele origin: germline.

Illumina Laboratory Services, Illumina
Classification: Uncertain significance for Bardet-Biedl syndrome 15. Last evaluated: 2018-01-13. Review status: criteria provided, single submitter. Criteria: ICSL Variant Classification Criteria 13 December 2019. Collection method: clinical testing. Allele origin: germline.

PreventionGenetics, part of Exact Sciences
Classification: Likely benign for WDPCP-related condition. Last evaluated: 2019-12-10. Review status: no assertion criteria provided. Collection method: clinical testing. Allele origin: germline. Not counted in ClinVar's aggregate classification.
Comment: This variant is classified as likely benign based on ACMG/AMP sequence variant interpretation guidelines (Richards et al. 2015 PMID: 25741868, with internal and published modifications).